The following is an entry in ClinVar:

ClinVar aggregate classification (germline): Pathogenic (1 of 4 stars; one submission).

Conditions:
Acute myeloid leukemia (AML). Also called: Acute myeloid leukemia, adult; AML adult; Acute non-lymphocytic leukemia; Acute granulocytic leukemia; Leukemia, acute myeloid, somatic; Leukemia, acute myelogenous, somatic. Identifiers: Orphanet 519, MedGen C0023467, MeSH D015470, MONDO:0018874, OMIM 601626, HP:0004808. Disease mechanism: Constitutively activated FLT3.

Submission:

Labcorp Genetics (formerly Invitae), Labcorp
Classification: Pathogenic for Acute myeloid leukemia. Last evaluated: 2020-02-12. Review status: criteria provided, single submitter. Criteria: Invitae Variant Classification Sherloc (09022015). Collection method: clinical testing. Allele origin: germline.
Comment: For these reasons, this variant has been classified as Pathogenic. This variant disrupts the C-terminus of the CEBPA protein. Other variant(s) that disrupt this region (p.Asp63Glnfs*43, p.Ser65Argfs*95, p.Asp69Alafs*91) have been determined to be pathogenic (PMID: 26162409, 11242107, 29296967, Invitae). This suggests that variants that disrupt this region of the protein are likely to be causative of disease. This variant has not been reported in the literature in individuals with CEBPA-related conditions. The frequency data for this variant in the population databases is considered unreliable, as metrics indicate insufficient coverage at this position in the ExAC database. This sequence change results in a premature translational stop signal in the CEBPA gene (p.Cys56*). While this is not anticipated to result in nonsense mediated decay, it is expected to disrupt the last 303 amino acids of the CEBPA protein.

Literature cited by the submitters: PubMed 26162409; PubMed 11242107; PubMed 29296967.

NM_004364.5(CEBPA):c.168C>A (p.Cys56Ter)

Gene: CEBPA (CCAAT enhancer binding protein alpha; minus strand). Cytogenetic location: 19q13.11.
Variant type: single nucleotide variant.
Coding change: c.168C>A on transcript NM_004364.5 (MANE Select); coding-DNA position 168, C replaced by A.
Protein change: p.Cys56Ter; replaces cysteine 56 with a stop codon.
Molecular consequence: nonsense. On other transcripts: 5 prime UTR variant (1).
Genome position (GRCh38, 1-based): chr19:33,302,247, G>T on the plus strand (C>A on the coding strand, the complement: CEBPA is on the minus strand). VCF-style: chr19-33302247-G-T. GRCh37 (hg19) VCF-style: chr19-33793153-G-T.
Other names: c.-190C>A (NM_001285829.2); c.273C>A, p.Cys91Ter (NM_001287424.2); c.126C>A, p.Cys42Ter (NM_001287435.2); short protein forms C42*, C56*, C91*.
Identifiers: ClinVar variation 850564 (VCV000850564.10), dbSNP rs1967195832, ClinGen allele CA405275539.